The following is an entry in ClinVar:

NM_001171.6(ABCC6):c.2464_2465del (p.Trp822fs)

Gene: ABCC6 (ATP binding cassette subfamily C member 6; minus strand). Cytogenetic location: 16p13.11.
Variant type: Deletion.
Coding change: c.2464_2465del on transcript NM_001171.6 (MANE Select); coding-DNA positions 2464 to 2465, 2 bases deleted (TG; older notation c.2464_2465delTG).
Protein change: p.Trp822fs; shifts the reading frame from tryptophan 822.
Molecular consequence: frameshift variant.
Genome position (GRCh38, 1-based): chr16:16,177,577-16,177,578, CA deleted on the plus strand (TG on the coding strand, the reverse complement: ABCC6 is on the minus strand). VCF-style (leftmost placement, unchanged base first): chr16-16177576-CCA-C. GRCh37 (hg19) VCF-style: chr16-16271433-CCA-C.
Other names: c.2122_2123del, p.Trp708fs (NM_001351800.1); short protein forms W708fs, W822fs.
Identifiers: ClinVar variation 2824318 (VCV002824318.3), dbSNP rs2510991598, ClinGen allele CA2575924861.

ClinVar aggregate classification (germline): Pathogenic (1 of 4 stars; one submission).

Submission:

Labcorp Genetics (formerly Invitae), Labcorp
Classification: Pathogenic. Last evaluated: 2022-12-26. Review status: criteria provided, single submitter. Criteria: Invitae Variant Classification Sherloc (09022015). Collection method: clinical testing. Allele origin: germline.
Comment: For these reasons, this variant has been classified as Pathogenic. Algorithms developed to predict the effect of sequence changes on RNA splicing suggest that this variant may disrupt the consensus splice site. This variant has not been reported in the literature in individuals affected with ABCC6-related conditions. This variant is not present in population databases (gnomAD no frequency). This sequence change creates a premature translational stop signal (p.Trp822Aspfs*38) in the ABCC6 gene. It is expected to result in an absent or disrupted protein product. Loss-of-function variants in ABCC6 are known to be pathogenic (PMID: 11536079, 17617515).

Literature cited by the submitters: PubMed 11536079; PubMed 17617515.